The following is an entry in ClinVar:

ClinVar aggregate classification (germline): Uncertain significance (1 of 4 stars; one submission).

Allele frequency attached by ClinVar (database versions not stated): ExAC 0.00003; gnomAD exomes 0.00004; gnomAD 0.00006 and 0.00007; TOPMed 0.00006.
gnomAD v4.1: 59 of 1,614,022 alleles (0.0037%); highest among the groups gnomAD compares: Admixed American, 0.01%; no homozygotes.

Submission:

Labcorp Genetics (formerly Invitae), Labcorp
Classification: Uncertain significance. Last evaluated: 2021-11-11. Review status: criteria provided, single submitter. Criteria: Invitae Variant Classification Sherloc (09022015). Collection method: clinical testing. Allele origin: germline.
Comment: This sequence change replaces asparagine, which is neutral and polar, with serine, which is neutral and polar, at codon 135 of the STX3 protein (p.Asn135Ser). This variant is present in population databases (rs747357728, gnomAD 0.01%). This variant has not been reported in the literature in individuals affected with STX3-related conditions. Algorithms developed to predict the effect of missense changes on protein structure and function are either unavailable or do not agree on the potential impact of this missense change (SIFT: "Tolerated"; PolyPhen-2: "Probably Damaging"; Align-GVGD: "Class C0"). In summary, the available evidence is currently insufficient to determine the role of this variant in disease. Therefore, it has been classified as a Variant of Uncertain Significance.

NM_004177.5(STX3):c.404A>G (p.Asn135Ser)

Gene: STX3 (syntaxin 3; plus strand). Cytogenetic location: 11q12.1.
Variant type: single nucleotide variant.
Coding change: c.404A>G on transcript NM_004177.5 (MANE Select); coding-DNA position 404, A replaced by G.
Protein change: p.Asn135Ser; replaces asparagine 135 with serine.
Molecular consequence: missense variant.
Genome position (GRCh38, 1-based): chr11:59,792,153, A>G. VCF-style: chr11-59792153-A-G. GRCh37 (hg19) VCF-style: chr11-59559626-A-G.
Other names: c.404A>G, p.Asn135Ser (NM_001178040.3); short protein forms N135S.
Identifiers: ClinVar variation 1429781 (VCV001429781.3), dbSNP rs747357728, ClinGen allele CA6020872.
Genomic context (GRCh38, chr11:59,792,153, plus strand): 5'-ACATCATCCCACAGCACTCTGTCCTTTCTCGGAAGTTTGTGGAGGTGATGACCAAATACA[A>G]TGAAGCTCAAGTGGACTTCCGAGAACGCAGCAAAGGGCGAATCCAGCGGCAGCTCGAAAT-3'
Protein context (NP_004168.1, residues 125-145): RKFVEVMTKY[Asn135Ser]EAQVDFRERS